The following is an entry in ClinVar:

NM_000535.7(PMS2):c.217T>G (p.Cys73Gly)

Gene: PMS2 (PMS1 homolog 2, mismatch repair system component; minus strand). Cytogenetic location: 7p22.1.
Variant type: single nucleotide variant.
Coding change: c.217T>G on transcript NM_000535.7 (MANE Select); coding-DNA position 217, T replaced by G.
Protein change: p.Cys73Gly; replaces cysteine 73 with glycine.
Molecular consequence: missense variant. On other transcripts: 5 prime UTR variant (37), initiator codon variant (7), non-coding transcript variant (1), intron variant (1).
Genome position (GRCh38, 1-based): chr7:6,004,005, A>C on the plus strand (T>G on the coding strand, the complement: PMS2 is on the minus strand). VCF-style: chr7-6004005-A-C. GRCh37 (hg19) VCF-style: chr7-6043636-A-C.
Other names: c.-189T>G (NM_001322003.2, NM_001322004.2, NM_001322005.2 and 13 more transcripts); c.217T>G, p.Cys73Gly (NM_001322006.2, NM_001322014.2, NM_001406868.1 and 10 more transcripts); c.2T>G, p.Met1Arg (NM_001322007.2, NM_001322008.2, NM_001406876.1 and 4 more transcripts); c.-668T>G (NM_001322011.2, NM_001322012.2); c.-268T>G (NM_001322015.2, NM_001406875.1, NM_001406877.1 and 3 more transcripts); c.403T>G, p.Cys135Gly (NM_001406866.1); c.-215T>G (NM_001406880.1); c.-165T>G (NM_001406881.1, NM_001406900.1); and 3 more; short protein forms C73G, C135G, M1R.
Identifiers: ClinVar variation 4711242 (VCV004711242.1).

ClinVar aggregate classification (germline): Uncertain significance (1 of 4 stars; one submission).

Conditions:
Hereditary nonpolyposis colorectal neoplasms. Identifiers: MedGen C0009405, MeSH D003123.

Submission:

Labcorp Genetics (formerly Invitae), Labcorp
Classification: Uncertain significance for Hereditary nonpolyposis colorectal neoplasms. Last evaluated: 2025-03-13. Review status: criteria provided, single submitter. Criteria: Invitae Variant Classification Sherloc (09022015). Collection method: clinical testing. Allele origin: germline.
Comment: This sequence change replaces cysteine, which is neutral and slightly polar, with glycine, which is neutral and non-polar, at codon 73 of the PMS2 protein (p.Cys73Gly). This variant is not present in population databases (gnomAD no frequency). This variant has not been reported in the literature in individuals affected with PMS2-related conditions. Invitae Evidence Modeling incorporating data from in vitro experimental studies (internal data) indicates that this missense variant is not expected to disrupt PMS2 function with a negative predictive value of 95%. In summary, the available evidence is currently insufficient to determine the role of this variant in disease. Therefore, it has been classified as a Variant of Uncertain Significance.